The following is an entry in ClinVar:

ClinVar aggregate classification (germline): Uncertain significance (1 of 4 stars; one submission).

Submission:

GeneDx
Classification: Uncertain significance. Last evaluated: 2024-02-26. Review status: criteria provided, single submitter. Criteria: GeneDx Variant Classification Process June 2021. Collection method: clinical testing. Allele origin: germline. Affected: yes.
Comment: Not observed at significant frequency in large population cohorts (gnomAD); In silico analysis supports that this missense variant does not alter protein structure/function; Has not been previously published as pathogenic or benign to our knowledge

NM_001005273.3(CHD3):c.1571T>C (p.Val524Ala)

Gene: CHD3 (chromodomain helicase DNA binding protein 3; plus strand). Cytogenetic location: 17p13.1.
Variant type: single nucleotide variant.
Coding change: c.1571T>C on transcript NM_001005273.3 (MANE Select); coding-DNA position 1571, T replaced by C.
Protein change: p.Val524Ala; replaces valine 524 with alanine.
Molecular consequence: missense variant.
Genome position (GRCh38, 1-based): chr17:7,895,406, T>C. VCF-style: chr17-7895406-T-C. GRCh37 (hg19) VCF-style: chr17-7798724-T-C.
Other names: c.1748T>C, p.Val583Ala (NM_001005271.3); c.1571T>C, p.Val524Ala (NM_005852.4); short protein forms V524A, V583A.
Identifiers: ClinVar variation 3369740 (VCV003369740.1).